The following is an entry in ClinVar:

ClinVar aggregate classification (germline): Benign (1 of 4 stars; one submission).

Allele frequency attached by ClinVar (database versions not stated): 1000 Genomes Project 0.37879; 1000 Genomes Project 30x 0.38492; gnomAD 0.40966 and 0.41634; TOPMed 0.41198.
gnomAD v4.1: 62,248 of 152,074 alleles (41%); highest among the groups gnomAD compares: African/African-American, 54%; 13,287 homozygotes.

Submission:

GeneDx
Classification: Benign. Last evaluated: 2018-06-18. Review status: criteria provided, single submitter. Criteria: GeneDx Variant Classification (06012015). Collection method: clinical testing. Allele origin: germline. Affected: yes.
Comment: This variant is considered likely benign or benign based on one or more of the following criteria: it is a conservative change, it occurs at a poorly conserved position in the protein, it is predicted to be benign by multiple in silico algorithms, and/or has population frequency not consistent with disease.

NM_001037.5(SCN1B):c.41-313T>A

Gene: SCN1B (sodium voltage-gated channel beta subunit 1; plus strand). Cytogenetic location: 19q13.11.
Variant type: single nucleotide variant.
Coding change: c.41-313T>A on transcript NM_001037.5 (MANE Select); 313 bases into the intron before coding-DNA position 41, T replaced by A.
Molecular consequence: intron variant.
Genome position (GRCh38, 1-based): chr19:35,032,215, T>A. VCF-style: chr19-35032215-T-A. GRCh37 (hg19) VCF-style: chr19-35523119-T-A.
Other names: c.41-313T>A (NM_199037.5); c.-59-313T>A (NM_001321605.2).
Identifiers: ClinVar variation 683808 (VCV000683808.1), dbSNP rs8100085, ClinGen allele CA14641501.